The following is an entry in ClinVar:

NM_001267550.2(TTN):c.193C>T (p.Leu65=)

Gene: TTN (titin; minus strand). Cytogenetic location: 2q31.2.
Variant type: single nucleotide variant.
Coding change: c.193C>T on transcript NM_001267550.2 (MANE Select); coding-DNA position 193, C replaced by T.
Protein change: p.Leu65=; no amino-acid change (leucine 65 retained).
Molecular consequence: synonymous variant.
Genome position (GRCh38, 1-based): chr2:178,802,240, G>A on the plus strand (C>T on the coding strand, the complement: TTN is on the minus strand). VCF-style: chr2-178802240-G-A. GRCh37 (hg19) VCF-style: chr2-179666967-G-A.
Other names: c.193C>T, p.Leu65= (NM_001256850.1, NM_003319.4, NM_133378.4 and 3 more transcripts).
Identifiers: ClinVar variation 2651731 (VCV002651731.24), dbSNP rs2534464966, ClinGen allele CA430119248.

ClinVar aggregate classification (germline): Likely benign (1 of 4 stars; one submission).

Submission:

CeGaT Center for Human Genetics Tuebingen
Classification: Likely benign. Last evaluated: 2022-12-01. Review status: criteria provided, single submitter. Criteria: CeGaT Center For Human Genetics Tuebingen Variant Classification Criteria Version 2. Collection method: clinical testing. Allele origin: germline. Affected: yes. Observed: 1 variant allele.
Comment: TTN: PM2:Supporting, BP4, BP7